The following is an entry in ClinVar:

NM_022132.5(MCCC2):c.758_759insT (p.Glu253fs)

Gene: MCCC2 (methylcrotonyl-CoA carboxylase subunit 2; plus strand). Cytogenetic location: 5q13.2.
Variant type: Insertion.
Coding change: c.758_759insT on transcript NM_022132.5 (MANE Select); coding-DNA positions 758 to 759, T inserted.
Protein change: p.Glu253fs; shifts the reading frame from glutamic acid 253.
Molecular consequence: frameshift variant.
Genome position: GRCh38 VCF-style: chr5-71632140-A-AT. GRCh37 (hg19) VCF-style: chr5-70927967-A-AT.
Other names: c.644_645insT, p.Glu215fs (NM_001363147.1); short protein forms E215fs, E253fs.
Identifiers: ClinVar variation 3000925 (VCV003000925.3), dbSNP rs1746738845, ClinGen allele CA1077364523.

ClinVar aggregate classification (germline): Pathogenic (1 of 4 stars; one submission).

Conditions:
3-methylcrotonyl-CoA carboxylase 2 deficiency. Also called: METHYLCROTONYLGLYCINURIA, TYPE II; 3 alpha methylcrotonyl-CoA carboxylase 2 deficiency; 3 alpha methylcrotonylglycinuria 2; MCC 2 deficiency; Methylcrotonylglycinuria type 2. Identifiers: Orphanet 6, MedGen C1859499, MONDO:0008862, OMIM 210210.

Allele frequency attached by ClinVar (database versions not stated): gnomAD 0.00001.

Submission:

Labcorp Genetics (formerly Invitae), Labcorp
Classification: Pathogenic for 3-methylcrotonyl-CoA carboxylase 2 deficiency. Last evaluated: 2024-02-02. Review status: criteria provided, single submitter. Criteria: Invitae Variant Classification Sherloc (09022015). Collection method: clinical testing. Allele origin: germline.
Comment: This sequence change creates a premature translational stop signal (p.Glu253Aspfs*6) in the MCCC2 gene. It is expected to result in an absent or disrupted protein product. Loss-of-function variants in MCCC2 are known to be pathogenic (PMID: 11181649, 22642865). This variant is not present in population databases (gnomAD no frequency). This variant has not been reported in the literature in individuals affected with MCCC2-related conditions. For these reasons, this variant has been classified as Pathogenic.

Literature cited by the submitters: PubMed 11181649; PubMed 22642865.